The following is an entry in ClinVar:

ClinVar aggregate classification (germline): Uncertain significance. Review status: criteria provided, multiple submitters, no conflicts (2 of 4 stars). 2 submissions from 2 submitters: Uncertain significance (2). Last evaluated 2019-04-29.

Allele frequency attached by ClinVar (database versions not stated): gnomAD exomes below 0.00001 and 0.00001; gnomAD 0.00001; TOPMed 0.00001.

Submissions (2):

GeneDx
Classification: Uncertain significance. Last evaluated: 2019-04-29. Review status: criteria provided, single submitter. Criteria: GeneDx Variant Classification Process June 2021. Collection method: clinical testing. Allele origin: germline. Affected: yes.
Comment: Not observed at a significant frequency in large population cohorts (Lek et al., 2016); In silico analysis, which includes protein predictors and evolutionary conservation, supports that this variant does not alter protein structure/function; Has not been previously published as pathogenic or benign to our knowledge

Breakthrough Genomics
Classification: Uncertain significance. Review status: criteria provided, single submitter. Criteria: ACMG Guidelines, 2015. Collection method: not provided. Allele origin: germline. Inheritance: Autosomal dominant inheritance. Affected: yes.

NM_001271938.2(MEGF8):c.4655T>C (p.Met1552Thr)

Gene: MEGF8 (multiple EGF like domains 8; plus strand). Cytogenetic location: 19q13.2.
Variant type: single nucleotide variant.
Coding change: c.4655T>C on transcript NM_001271938.2 (MANE Select); coding-DNA position 4655, T replaced by C.
Protein change: p.Met1552Thr; replaces methionine 1552 with threonine.
Molecular consequence: missense variant.
Genome position (GRCh38, 1-based): chr19:42,356,806, T>C. VCF-style: chr19-42356806-T-C. GRCh37 (hg19) VCF-style: chr19-42860958-T-C.
Other names: c.4454T>C, p.Met1485Thr (NM_001410.3); short protein forms M1485T, M1552T.
Identifiers: ClinVar variation 1305322 (VCV001305322.3), dbSNP rs901194855, ClinGen allele CA308640059.